The following is an entry in ClinVar:

NM_002834.5(PTPN11):c.182A>G (p.Asp61Gly)

Gene: PTPN11 (protein tyrosine phosphatase non-receptor type 11; plus strand). Cytogenetic location: 12q24.13.
Variant type: single nucleotide variant.
Coding change: c.182A>G on transcript NM_002834.5 (MANE Select); coding-DNA position 182, A replaced by G.
Protein change: p.Asp61Gly; replaces aspartic acid 61 with glycine.
Molecular consequence: missense variant.
Genome position (GRCh38, 1-based): chr12:112,450,362, A>G. VCF-style: chr12-112450362-A-G. GRCh37 (hg19) VCF-style: chr12-112888166-A-G.
Other names: p.D61G:GAT>GGT; c.182A>G, p.Asp61Gly (NM_001330437.2, NM_080601.3); c.179A>G, p.Asp60Gly (NM_001374625.1); short protein forms D61G, D60G.
Identifiers: ClinVar variation 13330 (VCV000013330.83), dbSNP rs121918461, ClinGen allele CA177665.

ClinVar aggregate classification (germline): Pathogenic. Review status: criteria provided, multiple submitters, no conflicts (2 of 4 stars). 33 submissions from 28 submitters: Pathogenic (26). 7 of the submissions do not count toward it. Last evaluated 2026-02-04.

Conditions:
Noonan syndrome and Noonan-related syndrome. Identifiers: Orphanet 98733, MedGen C5681679, MONDO:0020297.
PTPN11-related disorder. Also called: PTPN11-Related Disorders.
Metachondromatosis (METCDS). Identifiers: Orphanet 2499, MedGen C0410530, MONDO:0007979, OMIM 156250.
Noonan syndrome 1 (NS1). Also called: TURNER PHENOTYPE WITH NORMAL KARYOTYPE; PTPN11-Related Noonan Syndrome; FEMALE PSEUDO-TURNER SYNDROME. Identifiers: Orphanet 648, MedGen C4551602, MONDO:0008104, OMIM 163950. Disease mechanism: gain of function.
LEOPARD syndrome 1 (LPRD1). Also called: LENTIGINOSIS, CARDIOMYOPATHIC; MULTIPLE LENTIGINES SYNDROME; PTPN11-Related LEOPARD Syndrome. Identifiers: Orphanet 500, MedGen C4551484, MONDO:0100082, OMIM 151100.
Juvenile myelomonocytic leukemia (JMML). Also called: LEUKEMIA, JUVENILE MYELOMONOCYTIC, SOMATIC. Identifiers: Orphanet 86834, MedGen C0349639, MONDO:0011908, OMIM 607785, HP:0012209.
RASopathy. Also called: rasopathies; Noonan spectrum disorder. Identifiers: Orphanet 536391, MedGen C5555857, MONDO:0021060.
Noonan syndrome (NS). Also called: Noonan's syndrome. Identifiers: Orphanet 648, MedGen C0028326, MeSH D009634, MONDO:0018997. Disease mechanism: gain of function.
Non-immune hydrops fetalis (NIHF). Also called: Fetal edema; Idiopathic hydrops fetalis; Familial non-immune hydrops fetalis. Identifiers: Orphanet 363999, MedGen C0455988, MONDO:0009369, OMIM 236750, HP:0001790.
Abnormal cardiovascular system morphology. Also called: Abnormality of cardiovascular system morphology. Identifiers: MedGen C4049796, HP:0030680.
Short stature. Identifiers: MedGen C0349588, HP:0004322.

gnomAD v4.1: 2 of 1,613,346 alleles (0.00012%); highest among the groups gnomAD compares: Non-Finnish European, 0.000085%; no homozygotes.

Submissions 1 to 6 of 33:

Dasa
Classification: Pathogenic. Last evaluated: 2026-02-04. Review status: criteria provided, single submitter. Criteria: DASA Assertion Criteria. Collection method: clinical testing. Allele origin: germline.
Comment: NM_002834.5(PTPN11):c.182A>G (p.Asp61Gly) is a missense variant that results in the substitution of aspartic acid with glycine. The affected residue or protein region has prior evidence supporting clinical relevance. De novo occurrence has been reported in an individual with related phenotype. Functional evidence supports a deleterious effect on the gene or gene product (PMID: 15987685; PMID: 15273746; PMID: 23321623; PMID: 26242988; PMID: 11704759). This variant has been recurrently observed in individuals with related phenotype (PMID: 15987685; PMID: 15273746; PMID: 23321623; PMID: 26242988; PMID: 11704759). Multiple computational predictions support a deleterious effect on the gene or gene product. The variant is present at low frequency in population datasets. Based on the available data, this variant is classified as pathogenic.

Labcorp Genetics (formerly Invitae), Labcorp
Classification: Pathogenic for RASopathy. Last evaluated: 2025-11-10. Review status: criteria provided, single submitter. Criteria: Invitae Variant Classification Sherloc (09022015). Collection method: clinical testing. Allele origin: germline.
Comment: This sequence change replaces aspartic acid, which is acidic and polar, with glycine, which is neutral and non-polar, at codon 61 of the PTPN11 protein (p.Asp61Gly). This variant is not present in population databases (gnomAD no frequency). This missense change has been observed in individual(s) with Noonan syndrome and is one of the most commonly reported variants in this condition. It has also been observed in an individual with juvenile myelomonocytic leukemia. (PMID: 11704759, 11992261, 12634870, 15928039, 16358218, 17020470, 22420426, 23321623, 26084119, 26242988). In at least one individual the variant was observed to be de novo. ClinVar contains an entry for this variant (Variation ID: 13330). Invitae Evidence Modeling incorporating data from in vitro experimental studies (internal data) indicates that this missense variant is expected to disrupt PTPN11 function with a positive predictive value of 95%. Experimental studies have shown that this missense change affects PTPN11 function (PMID: 15273746, 15987685, 16377799, 19008228). For these reasons, this variant has been classified as Pathogenic.

Variantyx, Inc.
Classification: Pathogenic for Noonan syndrome 1. Last evaluated: 2025-10-21. Review status: criteria provided, single submitter. Criteria: Variantyx Assertion Criteria 2022. Collection method: clinical testing. Allele origin: de novo. Inheritance: Autosomal dominant inheritance. Affected: yes.
Comment: This is a nonsynonymous variant in the PTPN11 gene (OMIM: 176876). Pathogenic variants in this gene have been associated with autosomal dominant Noonan syndrome 1. This variant has been reported in many unrelated affected individuals (PMID: 36002837, 26918529, 32164556) (PS4_Very_Strong). Functional studies have shown that this variant alters PTPN11 protein function (PMID: 15987685, 15273746, 19008228) (PS3) and multiple computational algorithms predict a deleterious effect for this variant (REVEL score: 0.92) (PP3). This variant has a 0.0003% maximum allele frequency in non-founder control populations (PM2). Based on the current evidence, this variant is classified as pathogenic for autosomal dominant Noonan syndrome 1.

PreventionGenetics, part of Exact Sciences
Classification: Pathogenic for PTPN11-related condition. Last evaluated: 2025-07-06. Review status: criteria provided, single submitter. Criteria: ACMG Guidelines, 2015. Collection method: clinical testing. Allele origin: germline.
Comment: The PTPN11 c.182A>G variant is predicted to result in the amino acid substitution p.Asp61Gly. This variant has been repeatedly reported in individuals with Noonan syndrome and is one of the most common pathogenic variants in PTPN11 (see for example Tartaglia et al 2001. PubMed ID: 11704759). In at least two individuals it was reported as a de novo event (Croonen et al. 2013. PubMed ID: 23321623; Joyce et al. 2015. PubMed ID: 26242988). In vitro functional studies and knock-in mouse models are consistent with this variant disrupting normal protein function (Araki et al. 2004. PubMed ID: 15273746; Keilhack et al. 2005. PubMed ID: 15987685; Serra-Nédélec. 2012. PubMed ID: 22371576). This variant has been interpreted as pathogenic by multiple labs in ClinVar. Additionally, different amino acid substitutions (p.Asp61Asn, p.Asp61His, p.Asp61Ala, p.Asp61Val) affecting the same amino acid have been reported as pathogenic (ClinVar IDs: 40495, 40494, 179221, 40496). This variant is interpreted as pathogenic.

CeGaT Center for Human Genetics Tuebingen
Classification: Pathogenic. Last evaluated: 2024-09-01. Review status: criteria provided, single submitter. Criteria: CeGaT Center For Human Genetics Tuebingen Variant Classification Criteria Version 2. Collection method: clinical testing. Allele origin: germline. Affected: yes. Observed: 3 variant alleles.
Comment: PTPN11: PS2, PM2, PM5, PS4:Moderate, PP3, PS3:Supporting

Blueprint Genetics
Classification: Pathogenic for PTPN11-related disorders. Last evaluated: 2024-04-25. Review status: criteria provided, single submitter. Criteria: ACMG Guidelines, 2015. Collection method: clinical testing. Allele origin: germline. Affected: yes. Observed: 4 variant alleles.